The following is an entry in ClinVar:

ClinVar aggregate classification (germline): Uncertain significance (1 of 4 stars; one submission).

gnomAD v4.1: 2 of 1,612,310 alleles (0.00012%); highest among the groups gnomAD compares: Non-Finnish European, 0.000085%; no homozygotes.

Submission:

Labcorp Genetics (formerly Invitae), Labcorp
Classification: Uncertain significance. Last evaluated: 2024-06-05. Review status: criteria provided, single submitter. Criteria: Invitae Variant Classification Sherloc (09022015). Collection method: clinical testing. Allele origin: germline.
Comment: This sequence change replaces leucine, which is neutral and non-polar, with tryptophan, which is neutral and slightly polar, at codon 1106 of the KANK1 protein (p.Leu1106Trp). This variant is not present in population databases (gnomAD no frequency). This variant has not been reported in the literature in individuals affected with KANK1-related conditions. Advanced modeling of protein sequence and biophysical properties (such as structural, functional, and spatial information, amino acid conservation, physicochemical variation, residue mobility, and thermodynamic stability) performed at Invitae indicates that this missense variant is expected to disrupt KANK1 protein function with a positive predictive value of 80%. In summary, the available evidence is currently insufficient to determine the role of this variant in disease. Therefore, it has been classified as a Variant of Uncertain Significance.

NM_015158.5(KANK1):c.3317T>G (p.Leu1106Trp)

Gene: KANK1 (KN motif and ankyrin repeat domains 1; plus strand). Cytogenetic location: 9p24.3.
Variant type: single nucleotide variant.
Coding change: c.3317T>G on transcript NM_015158.5 (MANE Select); coding-DNA position 3317, T replaced by G.
Protein change: p.Leu1106Trp; replaces leucine 1106 with tryptophan.
Molecular consequence: missense variant. On other transcripts: non-coding transcript variant (1).
Genome position (GRCh38, 1-based): chr9:734,819, T>G. VCF-style: chr9-734819-T-G. GRCh37 (hg19) VCF-style: chr9-734819-T-G.
Other names: c.3317T>G, p.Leu1106Trp (NM_001256876.3, NM_001256877.3, NM_001354334.2); c.3077T>G, p.Leu1026Trp (NM_001354331.2); c.3263T>G, p.Leu1088Trp (NM_001354332.2); c.2843T>G, p.Leu948Trp (NM_001354333.2, NM_001354335.2, NM_001354337.2 and 2 more transcripts); c.2549T>G, p.Leu850Trp (NM_001354336.2); c.2789T>G, p.Leu930Trp (NM_001354338.2, NM_001354340.2, NM_001354344.2); c.2603T>G, p.Leu868Trp (NM_001354339.2, NM_001354342.2, NM_001354343.2); short protein forms L1106W, L868W, L1088W, L930W, L1026W, L948W, L850W.
Identifiers: ClinVar variation 3686973 (VCV003686973.2).